The following is an entry in ClinVar:

ClinVar aggregate classification (germline): Likely benign (1 of 4 stars; one submission).

Conditions:
Familial intrahepatic cholestasis. Identifiers: Orphanet 284385, MedGen CN296401, MONDO:0017290.
Low phospholipid associated cholelithiasis (GBD1). Also called: Gallbladder disease 1; Gallstone cholecystitis. Identifiers: Orphanet 69663, MedGen C2609268, MONDO:0010939, OMIM 600803.

gnomAD v4.1: 1 of 1,614,166 alleles (0.000062%); no homozygotes.

Submission:

Genomenon, Inc
Classification: Likely benign for Familial intrahepatic cholestasis; Low phospholipid associated cholelithiasis. Last evaluated: 2026-04-14. Review status: criteria provided, single submitter. Criteria: Genomenon Sequence Variant Interpretation Standards - Updated. Collection method: curation. Allele origin: germline. Affected: no.
Comment: ABCB4 c.624G>A is a synonymous variant that retains Valine at residue 208. This variant has been reported in the published literature (PMID:30079523). It is absent or not present at a significant frequency in gnomAD. This synonymous variant is not predicted to impact splicing. In conclusion, we classify ABCB4 p.Val208= (c.624G>A) as a likely benign variant.

Literature cited by the submitters: PubMed 30079523.

NM_000443.4(ABCB4):c.624G>A (p.Val208=)

Gene: ABCB4 (ATP binding cassette subfamily B member 4; minus strand). Cytogenetic location: 7q21.12.
Variant type: single nucleotide variant.
Coding change: c.624G>A on transcript NM_000443.4 (MANE Select); coding-DNA position 624, G replaced by A.
Protein change: p.Val208=; no amino-acid change (valine 208 retained).
Molecular consequence: synonymous variant.
Genome position (GRCh38, 1-based): chr7:87,451,707, C>T on the plus strand (G>A on the coding strand, the complement: ABCB4 is on the minus strand). VCF-style: chr7-87451707-C-T. GRCh37 (hg19) VCF-style: chr7-87081023-C-T.
Other names: c.624G>A, p.Val208= (NM_018849.3, NM_018850.3).
Identifiers: ClinVar variation 4846656 (VCV004846656.1).
Genomic context (GRCh38, chr7:87,451,707, plus strand): 5'-TCCTAGAATAGGGCTGATGGCCATTATCACAAGGGTGAGCTTCCATCCTCTGATGAATCC[C>T]ACTATGAATCCTGCAAAAAACGTGGCTACTGCTTGAAAGAACATTCCAACCTTGTCACCA-3'
Protein context (NP_000434.1, residues 198-218): AVATFFAGFI[Val208=]GFIRGWKLTL